The following is an entry in ClinVar:

NM_000338.3(SLC12A1):c.800_814del (p.Ala267_Ala271del)

Gene: SLC12A1 (solute carrier family 12 member 1; plus strand). Cytogenetic location: 15q21.1.
Variant type: Deletion.
Coding change: c.800_814del on transcript NM_000338.3 (MANE Select); coding-DNA positions 800 to 814, 15 bases deleted (CTAATGCAGTGGCTG).
Protein change: p.Ala267_Ala271del.
Molecular consequence: inframe deletion.
Genome position (GRCh38, 1-based): chr15:48,229,264-48,229,278, CTAATGCAGTGGCTG deleted; deleting any 15 consecutive bases within chr15:48,229,262-48,229,278 gives the same sequence; the c. name uses the placement nearest the transcript's 3' end. VCF-style (leftmost placement, unchanged base first): chr15-48229261-TTGCTAATGCAGTGGC-T. GRCh37 (hg19) VCF-style: chr15-48521458-TTGCTAATGCAGTGGC-T.
Other names: c.800_814del, p.Ala267_Ala271del (NM_001184832.2, NM_001384136.1).
Identifiers: ClinVar variation 2633820 (VCV002633820.2), dbSNP rs2505042915, ClinGen allele CA2695197281.
Genomic context (GRCh38, chr15:48,229,261, plus strand): 5'-ATCTTATTTCCAGAAGTTTAGGGCCCGAGTTCGGTGGGTCAATAGGCCTGATCTTTGCTT[TTGCTAATGCAGTGGC>T]TGTTGCTATGTATGTGGTGGGATTTGCTGAGACTGTAGTAGATCTTCTTAAGGTAATTAA-3'

ClinVar aggregate classification (germline): Uncertain significance. Review status: criteria provided, multiple submitters, no conflicts (2 of 4 stars). 2 submissions from 2 submitters: Uncertain significance (2). Last evaluated 2023-03-28.

Conditions:
SLC12A1-related disorder. Also called: SLC12A1-related condition.

Submissions (2):

PreventionGenetics, part of Exact Sciences
Classification: Uncertain significance for SLC12A1-related condition. Last evaluated: 2023-03-28. Review status: criteria provided, single submitter. Criteria: ACMG Guidelines, 2015. Collection method: clinical testing. Allele origin: germline.
Comment: The SLC12A1 c.800_814del15 variant is predicted to result in an in-frame deletion (p.Ala267_Ala271del). To our knowledge, this variant has not been reported in the literature or in a large population database, indicating this variant is rare. A substitution of one of the the deleted amino acids (p.Ala267Ser) has been reported in a patient with Bartter syndrome (Starremans PG et al 2003. PubMed ID: 12761241). Although we suspect that this variant may be pathogenic, at this time, the clinical significance of this variant is uncertain due to the absence of conclusive functional and genetic evidence.

Blueprint Genetics
Classification: Uncertain significance. Last evaluated: 2019-11-25. Review status: criteria provided, single submitter. Criteria: ACMG Guidelines, 2015. Collection method: clinical testing. Allele origin: germline.